The following is an entry in ClinVar:

ClinVar aggregate classification (germline): Uncertain significance (1 of 4 stars; one submission).

Conditions:
Hypertrophic cardiomyopathy 19. Also called: Familial hypertrophic cardiomyopathy 19. Identifiers: MedGen CN077603, MONDO:0013476.

gnomAD v4.1: 21 of 1,614,038 alleles (0.0013%); highest among the groups gnomAD compares: South Asian, 0.022%; 1 homozygote.

Submission:

Labcorp Genetics (formerly Invitae), Labcorp
Classification: Uncertain significance for Hypertrophic cardiomyopathy 19. Last evaluated: 2025-08-25. Review status: criteria provided, single submitter. Criteria: Invitae Variant Classification Sherloc (09022015). Collection method: clinical testing. Allele origin: germline.
Comment: This sequence change replaces glutamine, which is neutral and polar, with histidine, which is basic and polar, at codon 262 of the CALR3 protein (p.Gln262His). This variant also falls at the last nucleotide of exon 6, which is part of the consensus splice site for this exon. This variant is present in population databases (rs769250010, gnomAD 0.03%). This variant has not been reported in the literature in individuals affected with CALR3-related conditions. An algorithm developed to predict the effect of missense changes on protein structure and function (PolyPhen-2) suggests that this variant is likely to be disruptive. Variants that disrupt the consensus splice site are a relatively common cause of aberrant splicing (PMID: 17576681, 9536098). Algorithms developed to predict the effect of sequence changes on RNA splicing suggest that this variant may disrupt the consensus splice site. In summary, the available evidence is currently insufficient to determine the role of this variant in disease. Therefore, it has been classified as a Variant of Uncertain Significance.

Literature cited by the submitters: PubMed 17576681; PubMed 9536098.

NM_145046.5(CALR3):c.786G>T (p.Gln262His)

Gene: CALR3 (calreticulin 3; minus strand). Cytogenetic location: 19p13.11.
Variant type: single nucleotide variant.
Coding change: c.786G>T on transcript NM_145046.5 (MANE Select); coding-DNA position 786, G replaced by T.
Protein change: p.Gln262His; replaces glutamine 262 with histidine.
Molecular consequence: missense variant.
Genome position (GRCh38, 1-based): chr19:16,482,678, C>A on the plus strand (G>T on the coding strand, the complement: CALR3 is on the minus strand). VCF-style: chr19-16482678-C-A. GRCh37 (hg19) VCF-style: chr19-16593489-C-A.
Other names: short protein forms Q262H.
Identifiers: ClinVar variation 4701117 (VCV004701117.1).
Genomic context (GRCh38, chr19:16,482,678, plus strand): 5'-CATGGGCAGCGGAGGGGCAGCCCTGGGGCATCCCTGGCATCATACAAAGAGGCCACACAC[C>A]TGGTACGGGGGCTTCTGGAGCATCGGCGCTGGCCAGTCCCCATCCAGGTCACCGTTCCAG-3'
Protein context (NP_659483.2, residues 252-272): PAPMLQKPPY[Gln262His]DGLKPEGIHK